The following is an entry in ClinVar:

ClinVar aggregate classification (germline): Uncertain significance. Review status: criteria provided, multiple submitters, no conflicts (2 of 4 stars). 4 submissions from 4 submitters: Uncertain significance (4). Last evaluated 2025-06-03.

Conditions:
Cardiovascular phenotype. Identifiers: MedGen CN230736.
Cardiomyopathy (CMYO). Also called: Cardiomyopathies. Identifiers: Orphanet 167848, MedGen C0878544, MONDO:0004994, HP:0001638. Inheritance: Various modes of inheritance.

Submissions (4):

Color Diagnostics, LLC DBA Color Health
Classification: Uncertain significance for Cardiomyopathy. Last evaluated: 2025-06-03. Review status: criteria provided, single submitter. Criteria: ACMG Guidelines, 2015. Collection method: clinical testing. Allele origin: germline.
Comment: This missense variant replaces glutamine with glutamic acid at codon 895 of the MYH7 protein. Computational prediction suggests that this variant may not impact protein structure and function. To our knowledge, functional studies have not been reported for this variant. This variant has been reported in an individual affected with dilated cardiomyopathy (PMID: 24503780, 27532257). This variant has not been identified in the general population by the Genome Aggregation Database (gnomAD). The available evidence is insufficient to determine the role of this variant in disease conclusively. Therefore, this variant is classified as a Variant of Uncertain Significance.

Ambry Genetics
Classification: Uncertain significance for Cardiovascular phenotype. Last evaluated: 2019-11-01. Review status: criteria provided, single submitter. Criteria: Ambry Variant Classification Scheme 2023. Collection method: clinical testing. Allele origin: germline.

GeneDx
Classification: Uncertain significance. Last evaluated: 2016-12-06. Review status: criteria provided, single submitter. Criteria: GeneDx Variant Classification (06012015). Collection method: clinical testing. Allele origin: germline. Affected: yes.
Comment: A variant of uncertain significance has been identified in the MYH7 gene. Although the Q895E variant has not been published as a pathogenic variant or been reported as a benign variant to our knowledge, it has been reported in association with DCM by one other clinical laboratory who classified it as a variant of uncertain significance (ClinVar SCV000059464.4; Landrum et al., 2016). This variant was not observed in the Exome Aggregation Consortium or in approximately 6,500 individuals of European and African American ancestry in the NHLBI Exome Sequencing Project, indicating it is not a common benign variant in these populations. The Q895E variant is a semi-conservative amino acid substitution, which may impact secondary protein structure as these residues differ in some properties. Additionally, this substitution occurs at a position conserved in mammals. Nevertheless, in silico analysis is inconsistent in its predictions as to whether or not the variant is damaging to the protein structure/function.Therefore, based on the currently available information, it is unclear whether this variant is pathogenic or benign. This result cannot be interpreted for diagnosis or used for family member screening at this time.

Laboratory for Molecular Medicine, Mass General Brigham Personalized Medicine
Classification: Uncertain significance. Last evaluated: 2014-01-19. Review status: criteria provided, single submitter. Criteria: LMM Criteria. Collection method: clinical testing. Allele origin: germline. Observed: 6 variant alleles.
Comment: proposed classification - variant undergoing re-assessment, contact laboratory

Literature cited by the submitters: PubMed 24503780 (cited by Color Diagnostics, LLC DBA Color Health); PubMed 27532257 (cited by Color Diagnostics, LLC DBA Color Health); PubMed 21310275 (cited by Laboratory for Molecular Medicine, Mass General Brigham Personalized Medicine).

NM_000257.4(MYH7):c.2683C>G (p.Gln895Glu)

Gene: MYH7 (myosin heavy chain 7; minus strand). Cytogenetic location: 14q11.2.
Variant type: single nucleotide variant.
Coding change: c.2683C>G on transcript NM_000257.4 (MANE Select); coding-DNA position 2683, C replaced by G.
Protein change: p.Gln895Glu; replaces glutamine 895 with glutamic acid.
Molecular consequence: missense variant.
Genome position (GRCh38, 1-based): chr14:23,424,146, G>C on the plus strand (C>G on the coding strand, the complement: MYH7 is on the minus strand). VCF-style: chr14-23424146-G-C. GRCh37 (hg19) VCF-style: chr14-23893355-G-C.
Other names: short protein forms Q895E.
Identifiers: ClinVar variation 42923 (VCV000042923.7), dbSNP rs397516162, ClinGen allele CA012847.